The following is an entry in ClinVar:

NM_001199397.3(NEK1):c.3107C>G (p.Ser1036Ter)

Gene: NEK1 (NIMA related kinase 1; minus strand). Cytogenetic location: 4q33.
Variant type: single nucleotide variant.
Coding change: c.3107C>G on transcript NM_001199397.3 (MANE Select); coding-DNA position 3107, C replaced by G.
Protein change: p.Ser1036Ter; replaces serine 1036 with a stop codon.
Molecular consequence: nonsense. On other transcripts: non-coding transcript variant (1).
Genome position (GRCh38, 1-based): chr4:169,424,668, G>C on the plus strand (C>G on the coding strand, the complement: NEK1 is on the minus strand). VCF-style: chr4-169424668-G-C. GRCh37 (hg19) VCF-style: chr4-170345819-G-C.
Other names: c.2975C>G, p.Ser992Ter (NM_001199398.3); c.2816C>G, p.Ser939Ter (NM_001199399.3); c.2891C>G, p.Ser964Ter (NM_001199400.3); c.3107C>G, p.Ser1036Ter (NM_001374418.1); c.3023C>G, p.Ser1008Ter (NM_001374419.1, NM_012224.4); c.2972C>G, p.Ser991Ter (NM_001374420.1); c.2624C>G, p.Ser875Ter (NM_001374421.1); c.3023C>G (NM_012224.3); short protein forms S1036*, S1008*, S964*, S992*, S939*, S991*, S875*.
Identifiers: ClinVar variation 208600 (VCV000208600.71), dbSNP rs199947197, ClinGen allele CA210638.

ClinVar aggregate classification (germline): Pathogenic/Likely pathogenic. Review status: criteria provided, multiple submitters, no conflicts (2 of 4 stars). 16 submissions from 15 submitters: Pathogenic (9); Likely pathogenic (3). 4 of the submissions do not count toward it. Last evaluated 2026-08-24.

Conditions:
NEK1-related disorder. Also called: NEK1-related condition.
Amyotrophic lateral sclerosis, susceptibility to, 24. Identifiers: MedGen C4693523, MONDO:0054750, OMIM 617892.
Short-rib thoracic dysplasia 6 with or without polydactyly (SRTD6). Also called: SHORT RIB-POLYDACTYLY SYNDROME, TYPE IIA; Majewski Syndrome; SHORT-RIB THORACIC DYSPLASIA 6 WITH POLYDACTYLY; SHORT-RIB THORACIC DYSPLASIA 6 WITHOUT POLYDACTYLY; POLYDACTYLY WITH NEONATAL CHONDRODYSTROPHY, TYPE II. Identifiers: MedGen C0024507, MONDO:0009894, OMIM 263520.

Allele frequency attached by ClinVar (database versions not stated): gnomAD 0.00008 and 0.00009; ExAC 0.00012; gnomAD exomes 0.00012 and 0.00023; TOPMed 0.00013; ESP Exome Variant Server 0.00025.
gnomAD v4.1: 336 of 1,613,606 alleles (0.021%); highest among the groups gnomAD compares: Non-Finnish European, 0.028%; no homozygotes.

Submissions (16):

3billion
Classification: Pathogenic for Short-rib thoracic dysplasia 6 with or without polydactyly. Last evaluated: 2026-08-24. Review status: criteria provided, single submitter. Criteria: ACMG Guidelines, 2015. Collection method: clinical testing. Allele origin: germline. Inheritance: Autosomal recessive inheritance. Affected: yes.
Comment: The variant is observed at an extremely low frequency in the gnomAD v4.1.0 dataset (total allele frequency: 0.021%). Stop-gained (nonsense): predicted to result in a loss or disruption of normal protein function through nonsense-mediated decay (NMD) or protein truncation. Multiple pathogenic variants are reported downstream of the variant. The variant has been reported at least twice as pathogenic with clinical assertions and evidence for the classification (ClinVar ID: VCV000208600.67). Therefore, this variant is classified as Pathogenic (PVS1_VS, PM2_P, PP5_S) according to the recommendation of ACMG/AMP guideline.

PreventionGenetics, part of Exact Sciences
Classification: Likely pathogenic for NEK1-related condition. Last evaluated: 2025-11-08. Review status: criteria provided, single submitter. Criteria: ACMG Guidelines, 2015. Collection method: clinical testing. Allele origin: germline.
Comment: The NEK1 c.3023C>G variant is predicted to result in premature protein termination (p.Ser1008*). This variant, also described as c.3107C>G (p.Ser1036*), has been reported in the compound heterozygous state in individuals with axial spondylometaphyseal dysplasia and short rib dysplasia (Wang et al. 2017. PubMed ID: 28123176; table S2, Zhang et al. 2017. PubMed ID: 29068549). Additionally, this variant was present in an affected brother and an unaffected brother indicating this variant exhibits incomplete penetrance, which is commonly observed in NEK1 protein-truncating variants (Brenner et al. 2016. PubMed ID: 26945885). This variant has been interpreted as pathogenic and likely pathogenic in ClinVar (ClinVar ID: 208600). Together, we classify the c.3023C>G (p.Ser1008*) variant as likely pathogenic for autosomal recessive skeletal dysplasia as well as an increased susceptibility to ALS.

GeneDx
Classification: Pathogenic. Last evaluated: 2025-09-03. Review status: criteria provided, single submitter. Criteria: GeneDx Variant Classification Process June 2021. Collection method: clinical testing. Allele origin: germline. Affected: yes.
Comment: Reported using alternate nomenclature p.(S1036X) as a risk allele for familial ALS but further research is needed to understand this association (PMID: 26945885); Nonsense variant predicted to result in protein truncation or nonsense mediated decay in a gene for which loss of function is a known mechanism of disease; Also known as c.3107C>G p.(S1036*); This variant is associated with the following publications: (PMID: 32920598, 28935222, 29068549, 34582081, 32409511, 35896380, 37159497, 38849340, 37849306, 39222049, 28123176, 26945885)

Institute of Human Genetics Munich, TUM University Hospital
Classification: Likely pathogenic for Amyotrophic lateral sclerosis, susceptibility to, 24. Last evaluated: 2025-07-02. Review status: criteria provided, single submitter. Criteria: Classification criteria August 2017. Collection method: clinical testing. Allele origin: germline. Inheritance: Autosomal dominant inheritance. Affected: yes. Observed: 1 variant allele.

Labcorp Genetics (formerly Invitae), Labcorp
Classification: Pathogenic for Short-rib thoracic dysplasia 6 with or without polydactyly. Last evaluated: 2025-05-15. Review status: criteria provided, single submitter. Criteria: Invitae Variant Classification Sherloc (09022015). Collection method: clinical testing. Allele origin: germline.
Comment: This sequence change creates a premature translational stop signal (p.Ser1008*) in the NEK1 gene. It is expected to result in an absent or disrupted protein product. Loss-of-function variants in NEK1 are known to be pathogenic (PMID: 22499340, 29068549). This variant is present in population databases (rs199947197, gnomAD 0.03%). This premature translational stop signal has been observed in individual(s) with clinical features of short rib-polydactyly syndrome and/or amyotrophic lateral sclerosis (PMID: 26945885, 28123176, 28935222, 29068549). This variant is also known as c.3107C>G (p.S1036*). ClinVar contains an entry for this variant (Variation ID: 208600). For these reasons, this variant has been classified as Pathogenic.

Blueprint Genetics
Classification: Pathogenic for NEK1-related disorders. Last evaluated: 2024-11-04. Review status: criteria provided, single submitter. Criteria: ACMG Guidelines, 2015. Collection method: clinical testing. Allele origin: germline. Affected: yes. Observed: 5 variant alleles.

CeGaT Center for Human Genetics Tuebingen
Classification: Pathogenic. Last evaluated: 2021-06-01. Review status: criteria provided, single submitter. Criteria: CeGaT Center For Human Genetics Tuebingen Variant Classification Criteria Version 2. Collection method: clinical testing. Allele origin: germline. Affected: yes. Observed: 1 variant allele.

Revvity Omics, Revvity
Classification: Pathogenic for Short-rib thoracic dysplasia 6 with or without polydactyly. Last evaluated: 2020-12-07. Review status: criteria provided, single submitter. Criteria: ACMG Guidelines, 2015. Collection method: clinical testing. Allele origin: germline.

ARUP Laboratories, Molecular Genetics and Genomics, ARUP Laboratories
Classification: Pathogenic. Last evaluated: 2019-12-19. Review status: criteria provided, single submitter. Criteria: ARUP Molecular Germline Variant Investigation Process. Collection method: clinical testing. Allele origin: germline.
Comment: The NEK1 c.3023C>G; p.Ser1008Ter variant (rs199947197), also known as c.3107C>G; p.Ser1036Ter for NM_001199397.1, is reported in the literature in the compound heterozygous state with other pathogenic NEK1 variants in individuals affected with short rib-polydactyly syndrome II or axial spondylometaphyseal dysplasia (Wang 2017, Zhang 2018). This variant is reported in ClinVar (Variation ID: 208600), and is found in the general population with an overall allele frequency of 0.012% (33/280416 alleles) in the Genome Aggregation Database. This variant induces an early termination codon and is predicted to result in a truncated protein or mRNA subject to nonsense-mediated decay. Based on available information, this variant is considered to be pathogenic. References: Wang Z et al. Axial spondylometaphyseal dysplasia is also caused by NEK1 mutations. J Hum Genet. 2017 Apr;62(4):503-506. Zhang W et al. Expanding the genetic architecture and phenotypic spectrum in the skeletal ciliopathies. Hum Mutat. 2018 Jan;39(1):152-166.

Fulgent Genetics
Classification: Pathogenic for Short-rib thoracic dysplasia 6 with or without polydactyly; Amyotrophic lateral sclerosis, susceptibility to, 24. Last evaluated: 2018-10-31. Review status: criteria provided, single submitter. Criteria: ACMG Guidelines, 2015. Collection method: clinical testing. Allele origin: unknown.

Eurofins Ntd Llc (ga)
Classification: Pathogenic. Last evaluated: 2015-09-19. Review status: criteria provided, single submitter. Criteria: EGL Classification Definitions 2015. Collection method: clinical testing. Allele origin: germline. Observed: 2 variant alleles, 2 heterozygotes, 1 homozygote.

Laboratory for Molecular Medicine, Mass General Brigham Personalized Medicine
Classification: Likely pathogenic for Short rib-polydactyly syndrome, Majewski type. Last evaluated: 2014-12-24. Review status: criteria provided, single submitter. Criteria: LMM Criteria. Collection method: clinical testing. Allele origin: germline. Inheritance: Autosomal recessive inheritance. Observed: 1 variant allele. Study: CSER-MedSeq.
Comment: The p.Ser1036X variant in NEK1 has not been previously reported in the literature, but other variants leading to loss of function of the NEK1 protein have been reported in individuals with autosomal recessive short-rib polydactyly syndrome (Thiel 2011, Hokayem 2012). This variant has been identified in 0.04% (3/8196) of European American chromosomes by the NHLBI Exome Sequencing Project (dbSNP rs199947197). Other predicted loss of function variants in NEK1 gene are also rare in the general population, consistent with a pathogenic role. This nonsense variant leads to a premature termination codon at position 1036, which is predicted to lead to a truncated or absent protein. In summary, although additional studies are required to fully establish its clinical significance, the p.Ser1036X variant is likely pathogenic for short-rib polydactyly syndrome in an autosomal recessive manner based on the predicted impact on protein function.

OMIM
Classification: Pathogenic for SHORT-RIB THORACIC DYSPLASIA 6 WITHOUT POLYDACTYLY. Last evaluated: 2018-06-18. Review status: no assertion criteria provided. Collection method: literature only. Allele origin: germline. Not counted in ClinVar's aggregate classification.

OMIM
Classification: risk factor for AMYOTROPHIC LATERAL SCLEROSIS, SUSCEPTIBILITY TO, 24. Last evaluated: 2018-02-28. Review status: no assertion criteria provided. Collection method: literature only. Allele origin: germline. Not counted in ClinVar's aggregate classification.

Dan Cohn Lab, University Of California Los Angeles
Classification: Pathogenic for Short-rib thoracic dysplasia 6 with or without polydactyly. Last evaluated: 2017-06-01. Review status: no assertion criteria provided. Collection method: research. Allele origin: paternal, unknown, maternal. Affected: yes. Not counted in ClinVar's aggregate classification.

University of Washington Center for Mendelian Genomics, University of Washington
Classification: Likely pathogenic for short-rib polydactyly syndrome type II. Review status: no assertion criteria provided. Collection method: research. Allele origin: inherited. Affected: yes. Not counted in ClinVar's aggregate classification.

Literature cited by the submitters: PubMed 22499340 (cited by Labcorp Genetics (formerly Invitae), Labcorp and Laboratory for Molecular Medicine, Mass General Brigham Personalized Medicine); PubMed 29068549 (cited by 3 submitters); PubMed 26945885 (cited by Labcorp Genetics (formerly Invitae), Labcorp and OMIM); PubMed 28123176 (cited by Labcorp Genetics (formerly Invitae), Labcorp and OMIM); PubMed 28935222 (cited by Labcorp Genetics (formerly Invitae), Labcorp); PubMed 21211617 (cited by Laboratory for Molecular Medicine, Mass General Brigham Personalized Medicine).